The following is an entry in ClinVar:

ClinVar aggregate classification (germline): Uncertain significance. Review status: criteria provided, multiple submitters, no conflicts (2 of 4 stars). 2 submissions from 2 submitters: Uncertain significance (2). Last evaluated 2022-08-23.

Allele frequency attached by ClinVar (database versions not stated): ExAC 0.00005; gnomAD 0.00005; TOPMed 0.00010; ESP Exome Variant Server 0.00015.

Submissions (2):

Labcorp Genetics (formerly Invitae), Labcorp
Classification: Uncertain significance. Last evaluated: 2022-08-23. Review status: criteria provided, single submitter. Criteria: Invitae Variant Classification Sherloc (09022015). Collection method: clinical testing. Allele origin: germline.
Comment: This variant has not been reported in the literature in individuals affected with CA4-related conditions. In summary, the available evidence is currently insufficient to determine the role of this variant in disease. Therefore, it has been classified as a Variant of Uncertain Significance. Algorithms developed to predict the effect of missense changes on protein structure and function output the following: SIFT: "Not Available"; PolyPhen-2: "Benign"; Align-GVGD: "Not Available". The serine amino acid residue is found in multiple mammalian species, which suggests that this missense change does not adversely affect protein function. ClinVar contains an entry for this variant (Variation ID: 1019859). This variant is present in population databases (rs144799719, gnomAD 0.03%). This sequence change replaces proline, which is neutral and non-polar, with serine, which is neutral and polar, at codon 35 of the CA4 protein (p.Pro35Ser).

Blueprint Genetics
Classification: Uncertain significance. Last evaluated: 2021-11-16. Review status: criteria provided, single submitter. Criteria: ACMG Guidelines, 2015. Collection method: clinical testing. Allele origin: germline.

NM_000717.5(CA4):c.103C>T (p.Pro35Ser)

Gene: CA4 (carbonic anhydrase 4; plus strand). Cytogenetic location: 17q23.1.
Variant type: single nucleotide variant.
Coding change: c.103C>T on transcript NM_000717.5 (MANE Select); coding-DNA position 103, C replaced by T.
Protein change: p.Pro35Ser; replaces proline 35 with serine.
Molecular consequence: missense variant. On other transcripts: non-coding transcript variant (1).
Genome position (GRCh38, 1-based): chr17:60,155,358, C>T. VCF-style: chr17-60155358-C-T. GRCh37 (hg19) VCF-style: chr17-58232719-C-T.
Other names: short protein forms P35S.
Identifiers: ClinVar variation 1019859 (VCV001019859.7), dbSNP rs144799719, ClinGen allele CA8685214.